The following is an entry in ClinVar:

ClinVar aggregate classification (germline): Benign/Likely benign (0 of 4 stars; one submission).

Submission:

GeneDx
Classification: Benign/Likely benign. Last evaluated: 2011-04-30. Review status: no assertion criteria provided. Collection method: clinical testing. Allele origin: not provided. Affected: yes. Observed: 9 variant alleles. Clinical features observed: Developmental delay AND/OR other significant developmental or morphological phenotypes.
Comment: Likely benign (2), Benign (7)

GRCh38/hg38 Xp22.33(chrX:948314-1152369)x3

Variant type: copy number gain.
Change: copy number 3 of chrX:948,314-1,152,369 (204.1 kb, GRCh38 coordinates, 1-based), cytogenetic band Xp22.33.
Identifiers: ClinVar variation 145163 (VCV000145163.1).